The following is an entry in ClinVar:

ClinVar aggregate classification (germline): Likely pathogenic. Review status: reviewed by expert panel (3 of 4 stars). 2 submissions from 2 submitters: Likely pathogenic (1). 1 of the submissions does not count toward it. Last evaluated 2026-02-11.

Conditions:
RASopathy. Also called: rasopathies; Noonan spectrum disorder. Identifiers: Orphanet 536391, MedGen C5555857, MONDO:0021060.

Allele frequency attached by ClinVar (database versions not stated): TOPMed below 0.00001.

Submissions (2):

ClinGen RASopathy Variant Curation Expert Panel
Classification: Likely pathogenic for RASopathy. Last evaluated: 2026-02-11. Review status: reviewed by expert panel. Criteria: ClinGen RASopathy ACMG Specifications MAP2K1 V2.3.0. Collection method: curation. Allele origin: germline. Inheritance: Autosomal dominant inheritance.
Comment: The NM_002755.4:c.125T>G variant in MAP2K1 is a missense variant predicted to cause substitution of leucine by arginine at amino acid 42 (p.Leu42Arg). This variant was absent from gnomAD v2.1.1 (PM2_Supporting). The computational prediction tool REVEL gives a score of 0.845, suggesting that this variant may impact the protein (PP3). This variant is located in the MAP2K1 gene, which has been defined by the ClinGen RASopathy Expert Panel as a gene with a low rate of benign missense variants and pathogenic missense variants are common (PP2). Another missense variant c.124C>T (p.Leu42Phe) in the same codon has been has been classified as pathogenic for RASopathy by the ClinGen RASopathy VCEP (PM5, ClinVar Variation ID: 44587). The p.Leu42Arg variant has been observed in one proband as a de novo variant with confirmed parentage; however, the reported clinical features are only partially consistent with the features typically observed in individuals with pathogenic variants in this gene (PS2_M; GeneDx, Accession: SCV002601198.2). In summary, this variant meets criteria to be classified as likely pathogenic for autosomal dominant RASopathy based on the ACMG/AMP criteria applied, as specified by the ClinGen RASopathy Variant Curation Expert Panel: PS2_Moderate, PM5, PM2_Supporting, PP2, PP3 (Specification Version 2.3.0).

GeneDx
Classification: Uncertain significance. Last evaluated: 2022-05-09. Review status: criteria provided, single submitter. Criteria: GeneDx Variant Classification Process June 2021. Collection method: clinical testing. Allele origin: germline. Affected: yes. Not counted in ClinVar's aggregate classification.
Comment: Not observed at significant frequency in large population cohorts (gnomAD); Missense variants in this gene are often considered pathogenic (HGMD); In silico analysis supports that this missense variant has a deleterious effect on protein structure/function; Has not been previously published as pathogenic or benign to our knowledge; This variant is associated with the following publications: (PMID: 29493581)

NM_002755.4(MAP2K1):c.125T>G (p.Leu42Arg)

Gene: MAP2K1 (mitogen-activated protein kinase kinase 1; plus strand). Cytogenetic location: 15q22.31.
Variant type: single nucleotide variant.
Coding change: c.125T>G on transcript NM_002755.4 (MANE Select); coding-DNA position 125, T replaced by G.
Protein change: p.Leu42Arg; replaces leucine 42 with arginine.
Molecular consequence: missense variant.
Genome position (GRCh38, 1-based): chr15:66,435,071, T>G. VCF-style: chr15-66435071-T-G. GRCh37 (hg19) VCF-style: chr15-66727409-T-G.
Other names: NM_002755.4(MAP2K1):c.125T>G; p.Leu42Arg; c.59T>G, p.Leu20Arg (NM_001411065.1); short protein forms L20R, L42R.
Identifiers: ClinVar variation 1723651 (VCV001723651.2), dbSNP rs1358265797, ClinGen allele CA392929050.